The following is an entry in ClinVar:

ClinVar aggregate classification (germline): Uncertain significance (1 of 4 stars; one submission).

Conditions:
Monocytopenia with susceptibility to infections. Also called: MONOCYTOPENIA AND MYCOBACTERIAL INFECTION SYNDROME; MONOCYTOPENIA WITH SUSCEPTIBILITY TO MYCOBACTERIAL, FUNGAL, AND PAPILLOMAVIRUS INFECTIONS AND MYELODYSPLASIA; COMBINED IMMUNODEFICIENCY WITH SUSCEPTIBILITY TO MYCOBACTERIAL, VIRAL, AND FUNGAL INFECTIONS; Dendritic cell, monocyte, B lymphocyte, and natural killer lymphocyte deficiency; IMMUNODEFICIENCY 21; GATA2 DEFICIENCY. Identifiers: Orphanet 228423, MedGen C3280030, MONDO:0013607, OMIM 614172.
Deafness-lymphedema-leukemia syndrome. Also called: Lymphedema, primary, with myelodysplasia; Emberger syndrome. Identifiers: Orphanet 3226, MedGen C3279664, MONDO:0013540, OMIM 614038.

Allele frequency attached by ClinVar (database versions not stated): gnomAD exomes below 0.00001; TOPMed below 0.00001.
gnomAD v4.1: 1 of 1,613,870 alleles (0.000062%); highest among the groups gnomAD compares: South Asian, 0.0011%; no homozygotes.

Submission:

Labcorp Genetics (formerly Invitae), Labcorp
Classification: Uncertain significance for Monocytopenia with susceptibility to infections; Deafness-lymphedema-leukemia syndrome. Last evaluated: 2022-10-13. Review status: criteria provided, single submitter. Criteria: Invitae Variant Classification Sherloc (09022015). Collection method: clinical testing. Allele origin: germline.
Comment: This variant is not present in population databases (gnomAD no frequency). In summary, the available evidence is currently insufficient to determine the role of this variant in disease. Therefore, it has been classified as a Variant of Uncertain Significance. Advanced modeling of protein sequence and biophysical properties (such as structural, functional, and spatial information, amino acid conservation, physicochemical variation, residue mobility, and thermodynamic stability) has been performed at Invitae for this missense variant, however the output from this modeling did not meet the statistical confidence thresholds required to predict the impact of this variant on GATA2 protein function. ClinVar contains an entry for this variant (Variation ID: 1489592). This variant has not been reported in the literature in individuals affected with GATA2-related conditions. This sequence change replaces glycine, which is neutral and non-polar, with glutamic acid, which is acidic and polar, at codon 273 of the GATA2 protein (p.Gly273Glu).

NM_032638.5(GATA2):c.818G>A (p.Gly273Glu)

Gene: GATA2 (GATA binding protein 2; minus strand). Cytogenetic location: 3q21.3.
Variant type: single nucleotide variant.
Coding change: c.818G>A on transcript NM_032638.5 (MANE Select); coding-DNA position 818, G replaced by A.
Protein change: p.Gly273Glu; replaces glycine 273 with glutamic acid.
Molecular consequence: missense variant.
Genome position (GRCh38, 1-based): chr3:128,485,780, C>T on the plus strand (G>A on the coding strand, the complement: GATA2 is on the minus strand). VCF-style: chr3-128485780-C-T. GRCh37 (hg19) VCF-style: chr3-128204623-C-T.
Other names: c.818G>A, p.Gly273Glu (NM_001145661.2, NM_001145662.1); short protein forms G273E.
Identifiers: ClinVar variation 1489592 (VCV001489592.6), dbSNP rs1559986940, ClinGen allele CA354405822.
Genomic context (GRCh38, chr3:128,485,780, plus strand): 5'-CCTTTACCTGAACAGGAACGAGCCTTGCTGCGCTGCTTAGGGGTGAAGCTGGAGGCCGGT[C>T]CCCCCAGGAAGCCTCCGGGGTGGAAGAGTCCGCTGCTGTAGTCGTGGGCAGCCGCCGGCA-3'
Protein context (NP_116027.2, residues 263-283): GLFHPGGFLG[Gly273Glu]PASSFTPKQR